The following is an entry in ClinVar:

ClinVar aggregate classification (germline): Uncertain significance. Review status: criteria provided, multiple submitters, no conflicts (2 of 4 stars). 2 submissions from 2 submitters: Uncertain significance (2). Last evaluated 2024-04-25.

Conditions:
Hereditary cancer-predisposing syndrome. Also called: Hereditary Cancer Syndrome; Tumor predisposition; Hereditary neoplastic syndrome; Neoplastic Syndromes, Hereditary. Identifiers: Orphanet 140162, MedGen C0027672, MeSH D009386, MONDO:0015356.
Oligodontia-cancer predisposition syndrome. Also called: TOOTH AGENESIS-COLORECTAL CANCER SYNDROME. Identifiers: Orphanet 300576, MedGen C1837750, MONDO:0012075, OMIM 608615. Disease mechanism: loss of function.

Submissions (2):

Ambry Genetics
Classification: Uncertain significance for Hereditary cancer-predisposing syndrome. Last evaluated: 2024-04-25. Review status: criteria provided, single submitter. Criteria: Ambry Variant Classification Scheme 2023. Collection method: clinical testing. Allele origin: germline.
Comment: The p.E198K variant (also known as c.592G>A), located in coding exon 1 of the AXIN2 gene, results from a G to A substitution at nucleotide position 592. The glutamic acid at codon 198 is replaced by lysine, an amino acid with similar properties. This amino acid position is well conserved in available vertebrate species. In addition, the in silico prediction for this alteration is inconclusive. Based on the available evidence, the clinical significance of this variant remains unclear.

Labcorp Genetics (formerly Invitae), Labcorp
Classification: Uncertain significance for Oligodontia-cancer predisposition syndrome. Last evaluated: 2021-06-10. Review status: criteria provided, single submitter. Criteria: Invitae Variant Classification Sherloc (09022015). Collection method: clinical testing. Allele origin: germline.
Comment: In summary, the available evidence is currently insufficient to determine the role of this variant in disease. Therefore, it has been classified as a Variant of Uncertain Significance. Algorithms developed to predict the effect of missense changes on protein structure and function are either unavailable or do not agree on the potential impact of this missense change (SIFT: "Tolerated"; PolyPhen-2: "Possibly Damaging"; Align-GVGD: "Class C0"). This variant has not been reported in the literature in individuals with AXIN2-related conditions. This variant is not present in population databases (ExAC no frequency). This sequence change replaces glutamic acid with lysine at codon 198 of the AXIN2 protein (p.Glu198Lys). The glutamic acid residue is highly conserved and there is a small physicochemical difference between glutamic acid and lysine.

NM_004655.4(AXIN2):c.592G>A (p.Glu198Lys)

Gene: AXIN2 (axin 2; minus strand). Cytogenetic location: 17q24.1.
Variant type: single nucleotide variant.
Coding change: c.592G>A on transcript NM_004655.4 (MANE Select); coding-DNA position 592, G replaced by A.
Protein change: p.Glu198Lys; replaces glutamic acid 198 with lysine.
Molecular consequence: missense variant.
Genome position (GRCh38, 1-based): chr17:65,558,029, C>T on the plus strand (G>A on the coding strand, the complement: AXIN2 is on the minus strand). VCF-style: chr17-65558029-C-T. GRCh37 (hg19) VCF-style: chr17-63554147-C-T.
Other names: c.592G>A (NM_004655.3); c.592G>A, p.Glu198Lys (NM_001363813.1); short protein forms E198K.
Identifiers: ClinVar variation 1054014 (VCV001054014.10), dbSNP rs772550463, ClinGen allele CA400680758.